The following is an entry in ClinVar:

NM_194248.3(OTOF):c.1222G>A (p.Glu408Lys)

Gene: OTOF (otoferlin; minus strand). Cytogenetic location: 2p23.3.
Variant type: single nucleotide variant.
Coding change: c.1222G>A on transcript NM_194248.3 (MANE Select); coding-DNA position 1222, G replaced by A.
Protein change: p.Glu408Lys; replaces glutamic acid 408 with lysine.
Molecular consequence: missense variant.
Genome position (GRCh38, 1-based): chr2:26,483,632, C>T on the plus strand (G>A on the coding strand, the complement: OTOF is on the minus strand). VCF-style: chr2-26483632-C-T. GRCh37 (hg19) VCF-style: chr2-26706500-C-T.
Other names: c.1222G>A, p.Glu408Lys (NM_001287489.2); short protein forms E408K.
Identifiers: ClinVar variation 3711378 (VCV003711378.2).

ClinVar aggregate classification (germline): Uncertain significance (1 of 4 stars; one submission).

gnomAD v4.1: 22 of 1,612,200 alleles (0.0014%); highest among the groups gnomAD compares: East Asian, 0.0022%; no homozygotes.

Submission:

Labcorp Genetics (formerly Invitae), Labcorp
Classification: Uncertain significance. Last evaluated: 2024-05-29. Review status: criteria provided, single submitter. Criteria: Invitae Variant Classification Sherloc (09022015). Collection method: clinical testing. Allele origin: germline.
Comment: This sequence change replaces glutamic acid, which is acidic and polar, with lysine, which is basic and polar, at codon 408 of the OTOF protein (p.Glu408Lys). This variant is present in population databases (rs747492513, gnomAD 0.006%). This variant has not been reported in the literature in individuals affected with OTOF-related conditions. Advanced modeling of protein sequence and biophysical properties (such as structural, functional, and spatial information, amino acid conservation, physicochemical variation, residue mobility, and thermodynamic stability) performed at Invitae indicates that this missense variant is not expected to disrupt OTOF protein function with a negative predictive value of 95%. In summary, the available evidence is currently insufficient to determine the role of this variant in disease. Therefore, it has been classified as a Variant of Uncertain Significance.